The following is an entry in ClinVar:

NM_001845.6(COL4A1):c.388-1G>C

Gene: COL4A1 (collagen type IV alpha 1 chain; minus strand). Cytogenetic location: 13q34.
Variant type: single nucleotide variant.
Coding change: c.388-1G>C on transcript NM_001845.6 (MANE Select); the canonical splice acceptor site of the intron before coding-DNA position 388, G replaced by C.
Molecular consequence: splice acceptor variant.
Genome position (GRCh38, 1-based): chr13:110,211,923, C>G on the plus strand (G>C on the coding strand, the complement: COL4A1 is on the minus strand). VCF-style: chr13-110211923-C-G. GRCh37 (hg19) VCF-style: chr13-110864270-C-G.
Other names: c.388-1G>C (NM_001303110.2).
Identifiers: ClinVar variation 1077129 (VCV001077129.13), dbSNP rs766209938, ClinGen allele CA388726273.

ClinVar aggregate classification (germline): Pathogenic/Likely pathogenic. Review status: criteria provided, multiple submitters, no conflicts (2 of 4 stars). 4 submissions from 4 submitters: Pathogenic (2); Likely pathogenic (2). Last evaluated 2025-04-29.

Conditions:
Colpocephaly. Identifiers: MedGen C0431384, MONDO:0022236, HP:0030048.
Abnormal cerebral cortex morphology. Also called: Abnormality of the cerebral cortex. Identifiers: MedGen C4025701, HP:0002538.
Corpus callosum, agenesis of. Also called: Agenesis of the corpus callosum; Corpus callosum agenesis; Mental retardation hypoplastic corpus callosum preauricular tag; Da silva syndrome; Isolated corpus callosum agenesis. Identifiers: Orphanet 200, MedGen C0175754, MONDO:0009022, OMIM 217990, HP:0001274.
Brain small vessel disease 1 with or without ocular anomalies (BSVD1). Also called: PORENCEPHALY, TYPE 1, AUTOSOMAL DOMINANT; Brain small vessel disease with or without ocular anomalies; BRAIN SMALL VESSEL DISEASE WITH HEMORRHAGE; GOULD SYNDROME 1. Identifiers: Orphanet 2940, Orphanet 36383, Orphanet 99810, MedGen C4755307, MONDO:0008289, OMIM 175780.

gnomAD v4.1: 1 of 1,613,858 alleles (0.000062%); highest among the groups gnomAD compares: Non-Finnish European, 0.000085%; no homozygotes.

Submissions (4):

Institute of Human Genetics, University of Leipzig Medical Center
Classification: Pathogenic for Brain small vessel disease 1 with or without ocular anomalies. Last evaluated: 2025-04-29. Review status: criteria provided, single submitter. Criteria: ACMG Guidelines, 2015. Collection method: clinical testing. Allele origin: maternal. Inheritance: Autosomal dominant inheritance. Affected: yes.
Comment: Criteria applied: PVS1,PS2,PS4_MOD,PM2_SUP

3billion
Classification: Pathogenic for Brain small vessel disease 1 with or without ocular anomalies. Last evaluated: 2022-05-22. Review status: criteria provided, single submitter. Criteria: ACMG Guidelines, 2015. Collection method: clinical testing. Allele origin: germline. Affected: yes. Observed: 1 heterozygote.
Comment: The variant is not observed in the gnomAD v2.1.1 dataset. Canonical splice site: predicted to alter splicing and result in a loss or disruption of normal protein function through nonsense-mediated decay (NMD) or protein truncation. Multiple pathogenic variants are reported downstream of the variant. The variant has been reported to be associated with COL4A1 related disorder (ClinVar ID: VCV001077129). Therefore, this variant is classified as pathogenic according to the recommendation of ACMG/AMP guideline.

Labcorp Genetics (formerly Invitae), Labcorp
Classification: Likely pathogenic. Last evaluated: 2021-06-16. Review status: criteria provided, single submitter. Criteria: Invitae Variant Classification Sherloc (09022015). Collection method: clinical testing. Allele origin: germline.
Comment: This sequence change affects an acceptor splice site in intron 6 of the COL4A1 gene. It is expected to disrupt RNA splicing. Variants that disrupt the donor or acceptor splice site typically lead to a loss of protein function (PMID: 16199547), and loss-of-function variants in COL4A1 are known to be pathogenic (PMID: 23225343). In summary, the currently available evidence indicates that the variant is pathogenic, but additional data are needed to prove that conclusively. Therefore, this variant has been classified as Likely Pathogenic. Algorithms developed to predict the effect of sequence changes on RNA splicing suggest that this variant may disrupt the consensus splice site, but this prediction has not been confirmed by published transcriptional studies. This variant has not been reported in the literature in individuals with COL4A1-related conditions. ClinVar contains an entry for this variant (Variation ID: 1077129). This variant is not present in population databases (ExAC no frequency).

Genetics Institute, Tel Aviv Sourasky Medical Center
Classification: Likely pathogenic for Abnormal cerebral cortex morphology; Corpus callosum, agenesis of; Colpocephaly. Last evaluated: 2021-05-12. Review status: criteria provided, single submitter. Criteria: ACMG Guidelines, 2015. Collection method: clinical testing. Allele origin: de novo. Inheritance: Autosomal dominant inheritance.

Literature cited by the submitters: PubMed 16199547 (cited by Labcorp Genetics (formerly Invitae), Labcorp); PubMed 23225343 (cited by Labcorp Genetics (formerly Invitae), Labcorp).